The following is an entry in ClinVar:

ClinVar aggregate classification (germline): Uncertain significance. Review status: criteria provided, multiple submitters, no conflicts (2 of 4 stars). 2 submissions from 2 submitters: Uncertain significance (2). Last evaluated 2024-08-06.

Conditions:
Familial adenomatous polyposis 2. Also called: COLORECTAL ADENOMATOUS POLYPOSIS, AUTOSOMAL RECESSIVE; ADENOMAS, MULTIPLE COLORECTAL, AUTOSOMAL RECESSIVE; FAP type 2; MUTYH Polyposis; MYH-associated polyposis; Adenomas, multiple colorectal. Identifiers: Orphanet 220460, Orphanet 247798, MedGen C3272841, MONDO:0012041, OMIM 608456.

Allele frequency attached by ClinVar (database versions not stated): TOPMed below 0.00001.

Submissions (2):

All of Us Research Program, National Institutes of Health
Classification: Uncertain significance for Familial adenomatous polyposis 2. Last evaluated: 2024-08-06. Review status: criteria provided, single submitter. Criteria: ACMG Guidelines, 2015. Collection method: clinical testing. Allele origin: germline. Inheritance: Autosomal recessive inheritance. Observed: 1 variant allele, 1 heterozygote.
Comment: This study involves interpretation of variants in research participants for the purpose of population health screening. Participant phenotype was not available at the time of variant classification. Additional details can be found in publication PMID: 35346344, PMCID: PMC8962531

Baylor Genetics
Classification: Uncertain significance for Familial adenomatous polyposis 2. Last evaluated: 2024-01-31. Review status: criteria provided, single submitter. Criteria: ACMG Guidelines, 2015. Collection method: clinical testing. Allele origin: unknown.

NM_001048174.2(MUTYH):c.473T>G (p.Leu158Arg)

Gene: MUTYH (mutY DNA glycosylase; minus strand). Cytogenetic location: 1p34.1.
Variant type: single nucleotide variant.
Coding change: c.473T>G on transcript NM_001048174.2 (MANE Select); coding-DNA position 473, T replaced by G.
Protein change: p.Leu158Arg; replaces leucine 158 with arginine.
Molecular consequence: missense variant. On other transcripts: non-coding transcript variant (2).
Genome position (GRCh38, 1-based): chr1:45,332,782, A>C on the plus strand (T>G on the coding strand, the complement: MUTYH is on the minus strand). VCF-style: chr1-45332782-A-C. GRCh37 (hg19) VCF-style: chr1-45798454-A-C.
Other names: c.473T>G, p.Leu158Arg (NM_001048171.2, NM_001048173.2, NM_001293195.2); c.476T>G, p.Leu159Arg (NM_001048172.2); c.557T>G, p.Leu186Arg (NM_001128425.2); c.518T>G, p.Leu173Arg (NM_001293190.2); c.506T>G, p.Leu169Arg (NM_001293191.2); c.197T>G, p.Leu66Arg (NM_001293192.2, NM_001293196.2); c.128T>G, p.Leu43Arg (NM_001350650.2, NM_001350651.2); c.548T>G, p.Leu183Arg (NM_012222.3); short protein forms L158R, L159R, L169R, L173R, L183R, L186R, L43R, L66R.
Identifiers: ClinVar variation 2676896 (VCV002676896.3), dbSNP rs1309501452, ClinGen allele CA340135612.